The following is an entry in ClinVar:

NM_000384.3(APOB):c.12416G>A (p.Gly4139Glu)

Gene: APOB (apolipoprotein B; minus strand). Cytogenetic location: 2p24.1.
Variant type: single nucleotide variant.
Coding change: c.12416G>A on transcript NM_000384.3 (MANE Select); coding-DNA position 12416, G replaced by A.
Protein change: p.Gly4139Glu; replaces glycine 4139 with glutamic acid.
Molecular consequence: missense variant.
Genome position (GRCh38, 1-based): chr2:21,003,006, C>T on the plus strand (G>A on the coding strand, the complement: APOB is on the minus strand). VCF-style: chr2-21003006-C-T. GRCh37 (hg19) VCF-style: chr2-21225878-C-T.
Other names: short protein forms G4139E.
Identifiers: ClinVar variation 571795 (VCV000571795.11), dbSNP rs1558559266, ClinGen allele CA345971301.

ClinVar aggregate classification (germline): Uncertain significance (1 of 4 stars; one submission).

Conditions:
Hypercholesterolemia, autosomal dominant, type B (FHCL2). Also called: Hyperlipoproteinemia Type IIb; Familial Hypercholesterolemia Type B; APOLIPOPROTEIN B-100, FAMILIAL DEFECTIVE; APOLIPOPROTEIN B-100, FAMILIAL LIGAND-DEFECTIVE; Familial hypercholesterolemia 2; APOB-Related Familial Hypercholesterolemia, Autosomal Dominant. Identifiers: MedGen C1704417, MONDO:0007751, OMIM 144010.
Familial hypobetalipoproteinemia 1. Also called: Hypobetalipoproteinemia, normotriglyceridemic; Acanthocytosis with hypobetalipoproteinemia; APOB-Related Familial Hypobetalipoproteinemia. Identifiers: MedGen C4551990, MONDO:0014252, OMIM 615558.

Submission:

Labcorp Genetics (formerly Invitae), Labcorp
Classification: Uncertain significance for Familial hypobetalipoproteinemia 1; Hypercholesterolemia, autosomal dominant, type B. Last evaluated: 2018-03-28. Review status: criteria provided, single submitter. Criteria: Invitae Variant Classification Sherloc (09022015). Collection method: clinical testing. Allele origin: germline.
Comment: This variant is not present in population databases (ExAC no frequency). This sequence change replaces glycine with glutamic acid at codon 4139 of the APOB protein (p.Gly4139Glu). The glycine residue is weakly conserved and there is a moderate physicochemical difference between glycine and glutamic acid. This variant has not been reported in the literature in individuals with APOB-related disease. In summary, the available evidence is currently insufficient to determine the role of this variant in disease. Therefore, it has been classified as a Variant of Uncertain Significance. Algorithms developed to predict the effect of missense changes on protein structure and function output the following: SIFT: "Tolerated"; PolyPhen-2: "Benign"; Align-GVGD: "Class C0". The glutamic acid amino acid residue is found in multiple mammalian species, suggesting that this missense change does not adversely affect protein function. These predictions have not been confirmed by published functional studies and their clinical significance is uncertain.